The following is an entry in ClinVar:

ClinVar aggregate classification (germline): Uncertain significance (1 of 4 stars; one submission).

Conditions:
Cardiovascular phenotype. Identifiers: MedGen CN230736.

Submission:

Ambry Genetics
Classification: Uncertain significance for Cardiovascular phenotype. Last evaluated: 2025-06-09. Review status: criteria provided, single submitter. Criteria: Ambry Variant Classification Scheme 2023. Collection method: clinical testing. Allele origin: germline.
Comment: The p.S3327T variant (also known as c.9980G>C), located in coding exon 26 of the APOB gene, results from a G to C substitution at nucleotide position 9980. The serine at codon 3327 is replaced by threonine, an amino acid with similar properties. This amino acid position is conserved. In addition, this alteration is predicted to be tolerated by in silico analysis. Based on the available evidence, the clinical significance of this variant remains unclear.

NM_000384.3(APOB):c.9980G>C (p.Ser3327Thr)

Gene: APOB (apolipoprotein B; minus strand). Cytogenetic location: 2p24.1.
Variant type: single nucleotide variant.
Coding change: c.9980G>C on transcript NM_000384.3 (MANE Select); coding-DNA position 9980, G replaced by C.
Protein change: p.Ser3327Thr; replaces serine 3327 with threonine.
Molecular consequence: missense variant.
Genome position (GRCh38, 1-based): chr2:21,006,888, C>G on the plus strand (G>C on the coding strand, the complement: APOB is on the minus strand). VCF-style: chr2-21006888-C-G. GRCh37 (hg19) VCF-style: chr2-21229760-C-G.
Other names: short protein forms S3327T.
Identifiers: ClinVar variation 3933365 (VCV003933365.1).
Genomic context (GRCh38, chr2:21,006,888, plus strand): 5'-ACACTTGATTTAAAGGAGAAATCATAGGTAATATTGCCCATGGCAGGAATAAAAATATGG[C>G]TTATGGTACACAATTCCTTGAAATCTGGAAGAGAAAGCTTGAGATTTCTAGGGACATGAA-3'
Protein context (NP_000375.3, residues 3317-3337): LPDFKELCTI[Ser3327Thr]HIFIPAMGNI